The following is an entry in ClinVar:

NM_000081.4(LYST):c.3301_3302insCAGGATTTAAACAGAATTTCTCAACCTAAGAGAACTATGAAGGAAGATTTATTATCTTTGGCTATAA (p.Gln1101delinsProGlyPheLysGlnAsnPheSerThrTer)

Gene: LYST (lysosomal trafficking regulator; minus strand). Cytogenetic location: 1q42.3.
Variant type: Insertion.
Coding change: c.3301_3302insCAGGATTTAAACAGAATTTCTCAACCTAAGAGAACTATGAAGGAAGATTTATTATCTTTGGCTATAA on transcript NM_000081.4 (MANE Select); coding-DNA positions 3301 to 3302, CAGGATTTAAACAGAATTTCTCAACCTAAGAGAACTATGAAGGAAGATTTATTATCTTTGGCTATAA inserted.
Protein change: p.Gln1101delinsProGlyPheLysGlnAsnPheSerThrTer.
Molecular consequence: nonsense.
Genome position: GRCh38: chr1:235,805,834-235,805,835. GRCh37 (hg19): chr1:235,969,134-235,969,135.
Other names: c.3301_3302insCAGGATTTAAACAGAATTTCTCAACCTAAGAGAACTATGAAGGAAGATTTATTATCTTTGGCTATAA, p.Gln1101delinsProGlyPheLysGlnAsnPheSerThrTer (NM_001301365.1).
Identifiers: ClinVar variation 2985494 (VCV002985494.3), dbSNP rs2527070597, ClinGen allele CA2740092622.

ClinVar aggregate classification (germline): Pathogenic (1 of 4 stars; one submission).

Conditions:
Chédiak-Higashi syndrome (CHS). Also called: Chediak-Higashi Syndrome. Identifiers: Orphanet 167, MedGen C0007965, MONDO:0008963, OMIM 214500.

Submission:

Labcorp Genetics (formerly Invitae), Labcorp
Classification: Pathogenic for Chédiak-Higashi syndrome. Last evaluated: 2023-03-20. Review status: criteria provided, single submitter. Criteria: Invitae Variant Classification Sherloc (09022015). Collection method: clinical testing. Allele origin: germline.
Comment: This sequence change creates a premature translational stop signal (p.Gln1101Profs*10) in the LYST gene. It is expected to result in an absent or disrupted protein product. Loss-of-function variants in LYST are known to be pathogenic (PMID: 9215679, 11857544). This variant is not present in population databases (gnomAD no frequency). This variant has not been reported in the literature in individuals affected with LYST-related conditions. For these reasons, this variant has been classified as Pathogenic.

Literature cited by the submitters: PubMed 9215679; PubMed 11857544.